The following is an entry in ClinVar:

NM_001379110.1(SLC9A6):c.370-9_370-5del

Gene: SLC9A6 (solute carrier family 9 member A6; plus strand). Cytogenetic location: Xq26.3.
Variant type: Deletion.
Coding change: c.370-9_370-5del on transcript NM_001379110.1 (MANE Select); 9 bases into the intron before coding-DNA position 370 through 5 bases into the intron before coding-DNA position 370, 5 bases deleted (TTTTA; older notation c.370-9_370-5delTTTTA).
Molecular consequence: intron variant.
Genome position (GRCh38, 1-based): chrX:135,998,099-135,998,103, TTTTA deleted; deleting any 5 consecutive bases within chrX:135,998,095-135,998,103 gives the same sequence; the c. name uses the placement nearest the transcript's 3' end. VCF-style (leftmost placement, unchanged base first): chrX-135998094-CTTTAT-C. GRCh37 (hg19) VCF-style: chrX-135080253-CTTTAT-C.
Other names: NM_001042537.1(SLC9A6):c.526-9_526-5del; c.430-9_430-5delTTTTA (NM_006359.2); c.526-9_526-5del (NM_001042537.2); c.430-9_430-5del (NM_006359.3); c.370-9_370-5del (NM_001177651.2); c.274-9_274-5del (NM_001330652.2).
Identifiers: ClinVar variation 207248 (VCV000207248.16), dbSNP rs796053290, ClinGen allele CA318538.

ClinVar aggregate classification (germline): Pathogenic. Review status: reviewed by expert panel (3 of 4 stars). 7 submissions from 7 submitters: Pathogenic (1). 6 of the submissions do not count toward it. Last evaluated 2022-02-18.

Conditions:
Inborn genetic diseases. Identifiers: MedGen C0950123, MeSH D030342.
Christianson syndrome (MRXSCH). Also called: INTELLECTUAL DEVELOPMENTAL DISORDER, X-LINKED, SYNDROMIC, CHRISTIANSON TYPE; X-linked mental retardation, syndromic, Christianson type; SLC9A6-Related Syndromic Mental Retardation. Identifiers: Orphanet 85278, MedGen C2678194, MONDO:0010278, OMIM 300243.
Intellectual disability. Also called: Intellectual functioning disability; intellectual disabilities; Intellectual developmental disorder. Identifiers: MedGen C3714756, MeSH D008607, MONDO:0001071, HP:0001249.

Submissions (7):

ClinGen Rett and Angelman-like Disorders Variant Curation Expert Panel
Classification: Pathogenic for Christianson syndrome. Last evaluated: 2022-02-18. Review status: reviewed by expert panel. Criteria: ClinGen RettAS ACMG Specifications V2. Collection method: curation. Allele origin: germline. Inheritance: X-linked inheritance.
Comment: RNA study has shown that this variant impacts splicing (PMID 27256868) (PS3). This variant has been reported to segregate in four informative meioses (PMID 27256868)(PP1_moderate). The c.430-9_430-5del variant in SLC9A6 has been observed in 2 unrelated families with Christianson syndrome (PMID 27256868, Baylor Genetics internal database) (PS4_supporting). The c.430-9_430-5del variant in SLC9A6 is absent from gnomAD (PM2_supporting). In summary The c.430-9_430-5del variant in SLC9A6 is classified as pathogenic for Christianson syndrome based on the ACMG/AMP criteria (PS2, PS3, PP1_moderate, PS4_supporting, PM2_supporting).

GeneDx
Classification: Pathogenic. Last evaluated: 2026-10-07. Review status: criteria provided, single submitter. Criteria: GeneDx Variant Classification Process June 2021. Collection method: clinical testing. Allele origin: germline. Not counted in ClinVar's aggregate classification.
Comment: Published functional studies demonstrate a splicing effect predicted to be deleterious to protein function (PMID: 27256868); Not observed at significant frequency in large population cohorts (gnomAD); Also known as c.526-9_526-5del; This variant is associated with the following publications: (PMID: 31879735, 36368352, 27256868, 25167861)

Labcorp Genetics (formerly Invitae), Labcorp
Classification: Pathogenic for Christianson syndrome. Last evaluated: 2022-11-01. Review status: criteria provided, single submitter. Criteria: Invitae Variant Classification Sherloc (09022015). Collection method: clinical testing. Allele origin: germline. Not counted in ClinVar's aggregate classification.
Comment: This variant has been observed in individual(s) with clinical features of SLC9A6-related conditions (PMID: 27256868). It has also been observed to segregate with disease in related individuals. For these reasons, this variant has been classified as Pathogenic. Studies have shown that this variant results in skipping of exon 3, but is expected to preserve the integrity of the reading-frame (PMID: 27256868). ClinVar contains an entry for this variant (Variation ID: 207248). This variant is also known as c.526-9_526-5del. This variant is not present in population databases (gnomAD no frequency). This sequence change falls in intron 2 of the SLC9A6 gene. It does not directly change the encoded amino acid sequence of the SLC9A6 protein. RNA analysis indicates that this variant induces altered splicing and likely results in a shortened protein product.

Ambry Genetics
Classification: Likely pathogenic for Inborn genetic diseases. Last evaluated: 2019-03-18. Review status: criteria provided, single submitter. Criteria: Ambry Variant Classification Scheme 2023. Collection method: clinical testing. Allele origin: germline. Not counted in ClinVar's aggregate classification.
Comment: The c.430-9_430-5delTTTTA intronic variant, located in intron 2 of the SLC9A6 gene, results from a deletion of 5 nucleotides within intron 2 of the SLC9A6 gene. This variant (described as c.526-9_526-5del) was originally reported in an individual with intellectual disability (Redin C et al. J. Med. Genet., 2014 Nov;51:724-36). Using the BDGP and ESEfinder splice site prediction tools, this alteration is predicted to weaken the efficiency of the native splice acceptor site. Analysis of RNA from the proband's blood revealed that the intronic deletion results in the skipping of exon 3 in about 90% of the transcripts, leading to in-frame deletion of 26 amino acids in the TM4 domain (Masurel-Paulet A et al. Am. J. Med. Genet. A, 2016 Aug;170:2103-10). In addition, this variant was not reported in the gnomAD database, with coverage at this position. Based on the majority of available evidence to date, this variant is likely to be pathogenic.

Genetic Services Laboratory, University of Chicago
Classification: Likely pathogenic for Mental retardation, X-linked syndromic, Christianson type. Last evaluated: 2016-01-27. Review status: criteria provided, single submitter. Criteria: ACMG Guidelines, 2015. Collection method: clinical testing. Allele origin: germline. Affected: yes. Not counted in ClinVar's aggregate classification.

Diagnostic Laboratory, Strasbourg University Hospital
Classification: Pathogenic for Intellectual disability. Last evaluated: 2014-07-25. Review status: criteria provided, single submitter. Criteria: submitter's publication. Collection method: clinical testing. Allele origin: maternal. Affected: yes. Observed: 1 variant allele, 1 hemizygote. Not counted in ClinVar's aggregate classification.

OMIM
Classification: Pathogenic for INTELLECTUAL DEVELOPMENTAL DISORDER, X-LINKED, SYNDROMIC, CHRISTIANSON TYPE. Last evaluated: 2021-08-19. Review status: no assertion criteria provided. Collection method: literature only. Allele origin: germline. Not counted in ClinVar's aggregate classification.

Literature cited by the submitters: PubMed 27256868 (cited by 3 submitters); PubMed 25167861 (cited by Ambry Genetics).